The following is an entry in ClinVar:

ClinVar aggregate classification (germline): Uncertain significance (1 of 4 stars; one submission).

Conditions:
Inborn genetic diseases. Identifiers: MedGen C0950123, MeSH D030342.

Submission:

Ambry Genetics
Classification: Uncertain significance for Inborn genetic diseases. Last evaluated: 2023-02-10. Review status: criteria provided, single submitter. Criteria: Ambry Variant Classification Scheme 2023. Collection method: clinical testing. Allele origin: germline.
Comment: The p.T800I variant (also known as c.2399C>T), located in coding exon 11 of the ATR gene, results from a C to T substitution at nucleotide position 2399. The threonine at codon 800 is replaced by isoleucine, an amino acid with similar properties. This amino acid position is conserved. In addition, this alteration is predicted to be tolerated by in silico analysis. Since supporting evidence is limited at this time, the clinical significance of this alteration remains unclear.

NM_001184.4(ATR):c.2399C>T (p.Thr800Ile)

Gene: ATR (ATR checkpoint kinase; minus strand). Cytogenetic location: 3q23.
Variant type: single nucleotide variant.
Coding change: c.2399C>T on transcript NM_001184.4 (MANE Select); coding-DNA position 2399, C replaced by T.
Protein change: p.Thr800Ile; replaces threonine 800 with isoleucine.
Molecular consequence: missense variant.
Genome position (GRCh38, 1-based): chr3:142,553,958, G>A on the plus strand (C>T on the coding strand, the complement: ATR is on the minus strand). VCF-style: chr3-142553958-G-A. GRCh37 (hg19) VCF-style: chr3-142272800-G-A.
Other names: c.2207C>T, p.Thr736Ile (NM_001354579.2); short protein forms T736I, T800I.
Identifiers: ClinVar variation 2453586 (VCV002453586.2), dbSNP rs2034571901, ClinGen allele CA354817015.